The following is an entry in ClinVar:

ClinVar aggregate classification (germline): Likely benign (1 of 4 stars; one submission).

Conditions:
PLXND1-related disorder. Also called: PLXND1-related condition.

gnomAD v4.1: 63 of 1,604,352 alleles (0.0039%); highest among the groups gnomAD compares: East Asian, 0.025%; no homozygotes.

Submission:

PreventionGenetics, part of Exact Sciences
Classification: Likely benign for PLXND1-related condition. Last evaluated: 2025-10-20. Review status: criteria provided, single submitter. Criteria: ACMG Guidelines, 2015. Collection method: clinical testing. Allele origin: germline.
Comment: This variant is classified as likely benign based on ACMG/AMP sequence variant interpretation guidelines (Richards et al. 2015 PMID: 25741868, with internal and published modifications).

NM_015103.3(PLXND1):c.1686G>A (p.Ala562=)

Gene: PLXND1 (plexin D1; minus strand). Cytogenetic location: 3q22.1.
Variant type: single nucleotide variant.
Coding change: c.1686G>A on transcript NM_015103.3 (MANE Select); coding-DNA position 1686, G replaced by A.
Protein change: p.Ala562=; no amino-acid change (alanine 562 retained).
Molecular consequence: synonymous variant.
Genome position (GRCh38, 1-based): chr3:129,586,207, C>T on the plus strand (G>A on the coding strand, the complement: PLXND1 is on the minus strand). VCF-style: chr3-129586207-C-T. GRCh37 (hg19) VCF-style: chr3-129305050-C-T.
Identifiers: ClinVar variation 4978662 (VCV004978662.1).